The following is an entry in ClinVar:

NM_015386.3(COG4):c.1334A>G (p.Tyr445Cys)

Gene: COG4 (component of oligomeric golgi complex 4; minus strand). Cytogenetic location: 16q22.1.
Variant type: single nucleotide variant.
Coding change: c.1334A>G on transcript NM_015386.3 (MANE Select); coding-DNA position 1334, A replaced by G.
Protein change: p.Tyr445Cys; replaces tyrosine 445 with cysteine.
Molecular consequence: missense variant. On other transcripts: non-coding transcript variant (1).
Genome position (GRCh38, 1-based): chr16:70,497,368, T>C on the plus strand (A>G on the coding strand, the complement: COG4 is on the minus strand). VCF-style: chr16-70497368-T-C. GRCh37 (hg19) VCF-style: chr16-70531271-T-C.
Other names: c.1322A>G, p.Tyr441Cys (NM_001195139.2); c.908A>G, p.Tyr303Cys (NM_001365426.1); short protein forms Y445C, Y303C, Y441C.
Identifiers: ClinVar variation 4701970 (VCV004701970.1).
Genomic context (GRCh38, chr16:70,497,368, plus strand): 5'-CACTTCTTAACAATGTAGAAGACATCATCCACCATGCTGGATGTCAGCTGGCCCTTCTCA[T>C]AGGTGTCCAGAGCCACAGCCTACCCAAAAGGCAAAGCCAACACTGAGGGTCCCAGTTGTG-3'
Protein context (NP_056201.2, residues 435-455): TVNKAVALDT[Tyr445Cys]EKGQLTSSMV

ClinVar aggregate classification (germline): Uncertain significance (1 of 4 stars; one submission).

Conditions:
COG4-congenital disorder of glycosylation. Also called: CONGENITAL DISORDER OF GLYCOSYLATION, TYPE IIj; CDG IIj; COG4-CDG. Identifiers: Orphanet 263501, MedGen C4303552, MONDO:0013281, OMIM 613489.

gnomAD v4.1: 41 of 1,613,662 alleles (0.0025%); highest among the groups gnomAD compares: Non-Finnish European, 0.0027%; no homozygotes.

Submission:

Labcorp Genetics (formerly Invitae), Labcorp
Classification: Uncertain significance for COG4-congenital disorder of glycosylation. Last evaluated: 2025-09-11. Review status: criteria provided, single submitter. Criteria: Invitae Variant Classification Sherloc (09022015). Collection method: clinical testing. Allele origin: germline.
Comment: This sequence change replaces tyrosine, which is neutral and polar, with cysteine, which is neutral and slightly polar, at codon 445 of the COG4 protein (p.Tyr445Cys). This variant is present in population databases (rs752745532, gnomAD 0.02%). This variant has not been reported in the literature in individuals affected with COG4-related conditions. Invitae Evidence Modeling of protein sequence and biophysical properties (such as structural, functional, and spatial information, amino acid conservation, physicochemical variation, residue mobility, and thermodynamic stability) indicates that this missense variant is not expected to disrupt COG4 protein function with a negative predictive value of 80%. In summary, the available evidence is currently insufficient to determine the role of this variant in disease. Therefore, it has been classified as a Variant of Uncertain Significance.